The following is an entry in ClinVar:

ClinVar aggregate classification (germline): Conflicting classifications of pathogenicity. Review status: criteria provided, conflicting classifications (1 of 4 stars). 3 submissions from 3 submitters: Uncertain significance (2); Likely benign (1). Last evaluated 2025-02-22.

Conditions:
Hereditary breast ovarian cancer syndrome. Also called: BRCA1- and BRCA2-Associated Hereditary Breast and Ovarian Cancer; Hereditary breast and ovarian cancer syndrome; Hereditary breast and ovarian cancer; Hereditary breast and ovarian cancer syndrome (HBOC); Breast and ovarian cancer; Hereditary breast and/or ovarian cancer syndrome. Identifiers: Orphanet 145, MedGen C0677776, MeSH D061325, MONDO:0003582. Disease mechanism: loss of function.
Hereditary cancer-predisposing syndrome. Also called: Hereditary neoplastic syndrome; Hereditary Cancer Syndrome; Neoplastic Syndromes, Hereditary; Tumor predisposition. Identifiers: Orphanet 140162, MedGen C0027672, MeSH D009386, MONDO:0015356.

Submissions (3):

Women's Health and Genetics/Laboratory Corporation of America, LabCorp
Classification: Uncertain significance. Last evaluated: 2025-02-22. Review status: criteria provided, single submitter. Criteria: LabCorp Variant Classification Summary - May 2015. Collection method: clinical testing. Allele origin: germline.

Labcorp Genetics (formerly Invitae), Labcorp
Classification: Uncertain significance for Hereditary breast ovarian cancer syndrome. Last evaluated: 2024-01-02. Review status: criteria provided, single submitter. Criteria: Invitae Variant Classification Sherloc (09022015). Collection method: clinical testing. Allele origin: germline.
Comment: This sequence change replaces glycine, which is neutral and non-polar, with cysteine, which is neutral and slightly polar, at codon 402 of the BRCA2 protein (p.Gly402Cys). This variant is not present in population databases (gnomAD no frequency). This variant has not been reported in the literature in individuals affected with BRCA2-related conditions. ClinVar contains an entry for this variant (Variation ID: 236830). Advanced modeling of protein sequence and biophysical properties (such as structural, functional, and spatial information, amino acid conservation, physicochemical variation, residue mobility, and thermodynamic stability) performed at Invitae indicates that this missense variant is not expected to disrupt BRCA2 protein function with a negative predictive value of 95%. In summary, the available evidence is currently insufficient to determine the role of this variant in disease. Therefore, it has been classified as a Variant of Uncertain Significance.

University of Washington Department of Laboratory Medicine, University of Washington
Classification: Likely benign for Hereditary cancer-predisposing syndrome. Last evaluated: 2023-03-23. Review status: criteria provided, single submitter. Criteria: Dines et al. (Genet Med. 2020). Collection method: curation. Allele origin: germline.
Comment: Missense variant in a coldspot region where missense variants are very unlikely to be pathogenic (PMID:31911673).

BRCA2 exon 10 coldspot. Reclassification based on statistical prior probability.

NM_000059.4(BRCA2):c.1204G>T (p.Gly402Cys)

Gene: BRCA2 (BRCA2 DNA repair associated; plus strand). Cytogenetic location: 13q13.1.
Variant type: single nucleotide variant.
Coding change: c.1204G>T on transcript NM_000059.4 (MANE Select); coding-DNA position 1204, G replaced by T.
Protein change: p.Gly402Cys; replaces glycine 402 with cysteine.
Molecular consequence: missense variant.
Genome position (GRCh38, 1-based): chr13:32,332,682, G>T. VCF-style: chr13-32332682-G-T. GRCh37 (hg19) VCF-style: chr13-32906819-G-T.
Other names: short protein forms G402C.
Identifiers: ClinVar variation 236830 (VCV000236830.11), dbSNP rs878853556, ClinGen allele CA10583072.